The following is an entry in ClinVar:

ClinVar aggregate classification (germline): Uncertain significance (1 of 4 stars; one submission).

Allele frequency attached by ClinVar (database versions not stated): TOPMed below 0.00001.

Submission:

GeneDx
Classification: Uncertain significance. Last evaluated: 2023-02-02. Review status: criteria provided, single submitter. Criteria: GeneDx Variant Classification Process June 2021. Collection method: clinical testing. Allele origin: germline. Affected: yes.
Comment: Not observed at significant frequency in large population cohorts (gnomAD); In silico analysis supports that this missense variant does not alter protein structure/function; Has not been previously published as pathogenic or benign to our knowledge

NM_001308093.3(GATA4):c.220G>A (p.Ala74Thr)

Gene: GATA4 (GATA binding protein 4). Cytogenetic location: 8p23.1.
Variant type: single nucleotide variant.
Coding change: c.220G>A on transcript NM_001308093.3 (MANE Select); coding-DNA position 220, G replaced by A.
Protein change: p.Ala74Thr; replaces alanine 74 with threonine.
Molecular consequence: missense variant. On other transcripts: intron variant (3).
Genome position (GRCh38, 1-based): chr8:11,708,532, G>A. VCF-style: chr8-11708532-G-A. GRCh37 (hg19) VCF-style: chr8-11566041-G-A.
Other names: c.220G>A, p.Ala74Thr (NM_002052.5); c.-6+7754G>A (NM_001308094.2); c.-3+518G>A (NM_001374274.1); c.-3+4228G>A (NM_001374273.1); short protein forms A74T.
Identifiers: ClinVar variation 2574991 (VCV002574991.1), dbSNP rs1220029491, ClinGen allele CA370309178.